The following is an entry in ClinVar:

ClinVar aggregate classification (germline): Conflicting classifications of pathogenicity. Review status: criteria provided, conflicting classifications (1 of 4 stars). 6 submissions from 5 submitters: Uncertain significance (1); Benign (2); Likely benign (3). Last evaluated 2025-11-11.

Conditions:
Autosomal dominant nonsyndromic hearing loss 17. Also called: Deafness, autosomal dominant 17; Autosomal dominant nonsyndromic deafness 17. Identifiers: Orphanet 90635, MedGen C1863659, MONDO:0011350, OMIM 603622.
MYH9-related disorder. Identifiers: MedGen C1854520.

Allele frequency attached by ClinVar (database versions not stated): gnomAD exomes 0.00010 and 0.00020; ESP Exome Variant Server 0.00015; gnomAD 0.00015; ExAC 0.00016; 1000 Genomes Project 0.00020; TOPMed 0.00023; 1000 Genomes Project 30x 0.00031.
gnomAD v4.1: 169 of 1,614,202 alleles (0.01%); highest among the groups gnomAD compares: Middle Eastern, 0.033%; no homozygotes.

Submissions (6):

Labcorp Genetics (formerly Invitae), Labcorp
Classification: Benign. Last evaluated: 2025-11-11. Review status: criteria provided, single submitter. Criteria: Invitae Variant Classification Sherloc (09022015). Collection method: clinical testing. Allele origin: germline.

Mayo Clinic Laboratories, Mayo Clinic
Classification: Likely benign. Last evaluated: 2024-10-29. Review status: criteria provided, single submitter. Criteria: ACMG Guidelines, 2015. Collection method: clinical testing. Allele origin: germline. Observed: 1 variant allele.
Comment: BS1, BP4, BP7

Blueprint Genetics
Classification: Likely benign. Last evaluated: 2024-08-07. Review status: criteria provided, single submitter. Criteria: ACMG Guidelines, 2015. Collection method: clinical testing. Allele origin: germline.

Illumina Laboratory Services, Illumina
Classification: Benign for MYH9-related disorder. Last evaluated: 2018-01-13. Review status: criteria provided, single submitter. Criteria: ICSL Variant Classification Criteria 13 December 2019. Collection method: clinical testing. Allele origin: germline.
Comment: This variant was observed in the ICSL laboratory as part of a predisposition screen in an ostensibly healthy population. It had not been previously curated by ICSL or reported in the Human Gene Mutation Database (HGMD: prior to June 1st, 2018), and was therefore a candidate for classification through an automated scoring system. Utilizing variant allele frequency, disease prevalence and penetrance estimates, and inheritance mode, an automated score was calculated to assess if this variant is too frequent to cause the disease. Based on the score and internal cut-off values, a variant classified as benign is not then subjected to further curation. The score for this variant resulted in a classification of benign for this disease.

Illumina Laboratory Services, Illumina
Classification: Uncertain significance for Autosomal dominant nonsyndromic hearing loss 17. Last evaluated: 2018-01-13. Review status: criteria provided, single submitter. Criteria: ICSL Variant Classification Criteria 13 December 2019. Collection method: clinical testing. Allele origin: germline.

PreventionGenetics, part of Exact Sciences
Classification: Likely benign. Review status: criteria provided, single submitter. Criteria: ACMG Guidelines, 2015. Collection method: clinical testing. Allele origin: germline.

NM_002473.6(MYH9):c.543G>A (p.Thr181=)

Gene: MYH9 (myosin heavy chain 9; minus strand). Cytogenetic location: 22q12.3.
Variant type: single nucleotide variant.
Coding change: c.543G>A on transcript NM_002473.6 (MANE Select); coding-DNA position 543, G replaced by A.
Protein change: p.Thr181=; no amino-acid change (threonine 181 retained).
Molecular consequence: synonymous variant.
Genome position (GRCh38, 1-based): chr22:36,326,637, C>T on the plus strand (G>A on the coding strand, the complement: MYH9 is on the minus strand). VCF-style: chr22-36326637-C-T. GRCh37 (hg19) VCF-style: chr22-36722682-C-T.
Other names: p.Thr181=.
Identifiers: ClinVar variation 258756 (VCV000258756.17), dbSNP rs146514663, ClinGen allele CA10210593.
Genomic context (GRCh38, chr22:36,326,637, plus strand): 5'-CTTGCTCTTGTGCGAGGACGCCACGTACGCCAGATACTGGATGACCTTCTTGGTGTTCTC[C>T]GTCTTGCCAGCTCCAGATTCACCACTACCAAGAGAGGCAAGGAAGTCCCGGGCTTAGGCA-3'
Protein context (NP_002464.1, residues 171-191): LCTGESGAGK[Thr181=]ENTKKVIQYL